The following is an entry in ClinVar:

NM_014727.3(KMT2B):c.6416C>T (p.Ala2139Val)

Gene: KMT2B (lysine methyltransferase 2B; plus strand). Cytogenetic location: 19q13.12.
Variant type: single nucleotide variant.
Coding change: c.6416C>T on transcript NM_014727.3 (MANE Select); coding-DNA position 6416, C replaced by T.
Protein change: p.Ala2139Val; replaces alanine 2139 with valine.
Molecular consequence: missense variant.
Genome position (GRCh38, 1-based): chr19:35,732,965, C>T. VCF-style: chr19-35732965-C-T. GRCh37 (hg19) VCF-style: chr19-36223866-C-T.
Other names: short protein forms A2139V.
Identifiers: ClinVar variation 2967494 (VCV002967494.3), dbSNP rs1350017018, ClinGen allele CA405428390.

ClinVar aggregate classification (germline): Uncertain significance (1 of 4 stars; one submission).

Allele frequency attached by ClinVar (database versions not stated): gnomAD exomes below 0.00001; TOPMed below 0.00001; gnomAD 0.00001.
gnomAD v4.1: 5 of 1,604,558 alleles (0.00031%); highest among the groups gnomAD compares: African/African-American, 0.0013%; no homozygotes.

Submission:

Labcorp Genetics (formerly Invitae), Labcorp
Classification: Uncertain significance. Last evaluated: 2023-03-07. Review status: criteria provided, single submitter. Criteria: Invitae Variant Classification Sherloc (09022015). Collection method: clinical testing. Allele origin: germline.
Comment: In summary, the available evidence is currently insufficient to determine the role of this variant in disease. Therefore, it has been classified as a Variant of Uncertain Significance. Advanced modeling of protein sequence and biophysical properties (such as structural, functional, and spatial information, amino acid conservation, physicochemical variation, residue mobility, and thermodynamic stability) performed at Invitae indicates that this missense variant is not expected to disrupt KMT2B protein function. This variant has not been reported in the literature in individuals affected with KMT2B-related conditions. This variant is not present in population databases (gnomAD no frequency). This sequence change replaces alanine, which is neutral and non-polar, with valine, which is neutral and non-polar, at codon 2139 of the KMT2B protein (p.Ala2139Val).